The following is an entry in ClinVar:

NM_177438.3(DICER1):c.2021C>T (p.Pro674Leu)

Gene: DICER1 (dicer 1, ribonuclease III; minus strand). Cytogenetic location: 14q32.13.
Variant type: single nucleotide variant.
Coding change: c.2021C>T on transcript NM_177438.3 (MANE Select); coding-DNA position 2021, C replaced by T.
Protein change: p.Pro674Leu; replaces proline 674 with leucine.
Molecular consequence: missense variant.
Genome position (GRCh38, 1-based): chr14:95,113,111, G>A on the plus strand (C>T on the coding strand, the complement: DICER1 is on the minus strand). VCF-style: chr14-95113111-G-A. GRCh37 (hg19) VCF-style: chr14-95579448-G-A.
Other names: c.2021C>T, p.Pro674Leu (NM_001195573.1, NM_001271282.3, NM_001291628.2 and 1 more transcripts); short protein forms P674L.
Identifiers: ClinVar variation 1492870 (VCV001492870.9), dbSNP rs775336086, ClinGen allele CA390883188.

ClinVar aggregate classification (germline): Uncertain significance (1 of 4 stars; one submission).

Conditions:
DICER1-related tumor predisposition. Also called: DICER1-related pleuropulmonary blastoma cancer predisposition syndrome; DICER1 syndrome. Identifiers: Orphanet 284343, MedGen C3839822, MONDO:0100216.

Allele frequency attached by ClinVar (database versions not stated): gnomAD exomes below 0.00001.
gnomAD v4.1: 1 of 1,613,738 alleles (0.000062%); no homozygotes.

Submission:

Labcorp Genetics (formerly Invitae), Labcorp
Classification: Uncertain significance for DICER1-related tumor predisposition. Last evaluated: 2020-11-25. Review status: criteria provided, single submitter. Criteria: Invitae Variant Classification Sherloc (09022015). Collection method: clinical testing. Allele origin: germline.
Comment: In summary, the available evidence is currently insufficient to determine the role of this variant in disease. Therefore, it has been classified as a Variant of Uncertain Significance. Algorithms developed to predict the effect of missense changes on protein structure and function (SIFT, PolyPhen-2, Align-GVGD) all suggest that this variant is likely to be disruptive, but these predictions have not been confirmed by published functional studies and their clinical significance is uncertain. This variant has not been reported in the literature in individuals with DICER1-related conditions. This variant is not present in population databases (ExAC no frequency). This sequence change replaces proline with leucine at codon 674 of the DICER1 protein (p.Pro674Leu). The proline residue is highly conserved and there is a moderate physicochemical difference between proline and leucine.